The following is an entry in ClinVar:

ClinVar aggregate classification (germline): conflicting data from submitters (0 of 4 stars; one submission).

Submission:

ISCA site 1
Classification: conflicting data from submitters. Last evaluated: 2014-08-25. Review status: no assertion criteria provided. Collection method: clinical testing. Allele origin: maternal, unknown. Affected: yes. Observed: 2 variant alleles.
Comment: Uncertain significance(1), Likely benign (1)

Copy number variation identified through the course of routine clinical cytogenomic testing in postnatal populations, with clinical assertions as classified by the original submitter. For data from the original published study, Kaminsky, et al. 2011 (PubMed 21844811), please see nstd101.

GRCh38/hg38 22q11.21(chr22:20363364-21111373)x1

Genes: AIFM3 (AIF family member 3; plus strand), CRKL (CRK like proto-oncogene, adaptor protein; plus strand), KLHL22 (kelch like family member 22; minus strand), LINC01637 (long independently transcribed non-coding RNA 1637; plus strand), LRRC74B (leucine rich repeat containing 74B; plus strand) and 61 more. Cytogenetic location: 22q11.21.
Variant type: copy number loss.
Change: copy number 1 (one copy instead of two) of chr22:20,363,364-21,111,373 (748.0 kb, GRCh38 coordinates, 1-based), cytogenetic band 22q11.21.
Identifiers: ClinVar variation 153900 (VCV000153900.2).